The following is an entry in ClinVar:

ClinVar aggregate classification (germline): Benign (1 of 4 stars; one submission).

Conditions:
Papillary renal cell carcinoma type 1 (RCCP1). Also called: Renal adenocarcinoma; Renal cell carcinoma 1; Renal cell carcinoma, somatic; RENAL CELL CARCINOMA, PAPILLARY, 1, SOMATIC. Identifiers: Orphanet 47044, MedGen C1336839, OMIM 605074, HP:0011797.

gnomAD v4.1: 1 of 1,613,300 alleles (0.000062%); highest among the groups gnomAD compares: Non-Finnish European, 0.000085%; no homozygotes.

Submission:

Myriad Genetics, Inc.
Classification: Benign for Papillary renal cell carcinoma type 1. Last evaluated: 2024-11-11. Review status: criteria provided, single submitter. Criteria: Myriad Autosomal Dominant, Autosomal Recessive and X-Linked Classification Criteria (2023). Collection method: clinical testing. Allele origin: unknown.
Comment: This variant is considered benign. This variant is a silent/synonymous amino acid change and it is not expected to impact splicing.

NM_000245.4(MET):c.2355C>T (p.Asn785=)

Gene: MET (MET proto-oncogene, receptor tyrosine kinase; plus strand). Cytogenetic location: 7q31.2.
Variant type: single nucleotide variant.
Coding change: c.2355C>T on transcript NM_000245.4 (MANE Select); coding-DNA position 2355, C replaced by T.
Protein change: p.Asn785=; no amino-acid change (asparagine 785 retained).
Molecular consequence: synonymous variant.
Genome position (GRCh38, 1-based): chr7:116,759,481, C>T. VCF-style: chr7-116759481-C-T. GRCh37 (hg19) VCF-style: chr7-116399535-C-T.
Other names: c.2409C>T, p.Asn803= (NM_001127500.3); c.2355C>T, p.Asn785= (NM_001324401.3); c.1065C>T, p.Asn355= (NM_001324402.2).
Identifiers: ClinVar variation 3773033 (VCV003773033.1).